The following is an entry in ClinVar:

NM_177550.5(SLC13A5):c.1231G>A (p.Val411Met)

Gene: SLC13A5 (solute carrier family 13 member 5; minus strand). Cytogenetic location: 17p13.1.
Variant type: single nucleotide variant.
Coding change: c.1231G>A on transcript NM_177550.5 (MANE Select); coding-DNA position 1231, G replaced by A.
Protein change: p.Val411Met; replaces valine 411 with methionine.
Molecular consequence: missense variant.
Genome position (GRCh38, 1-based): chr17:6,693,088, C>T on the plus strand (G>A on the coding strand, the complement: SLC13A5 is on the minus strand). VCF-style: chr17-6693088-C-T. GRCh37 (hg19) VCF-style: chr17-6596407-C-T.
Other names: c.1231G>A, p.Val411Met (NM_001143838.3); c.1180G>A, p.Val394Met (NM_001284509.2); c.1102G>A, p.Val368Met (NM_001284510.2); c.1231G>A (NM_177550.3); short protein forms V368M, V394M, V411M.
Identifiers: ClinVar variation 1348966 (VCV001348966.7), dbSNP rs1207618696, ClinGen allele CA397741114.

ClinVar aggregate classification (germline): Uncertain significance. Review status: criteria provided, multiple submitters, no conflicts (2 of 4 stars). 2 submissions from 2 submitters: Uncertain significance (2). Last evaluated 2025-01-04.

Conditions:
Inborn genetic diseases. Identifiers: MedGen C0950123, MeSH D030342.
Developmental and epileptic encephalopathy, 25 (DEE25). Also called: Developmental and epileptic encephalopathy 25, with amelogenesis imperfecta; Epileptic encephalopathy, early infantile, 25, with amelogenesis imperfecta; Epileptic encephalopathy, early infantile, 25. Identifiers: Orphanet 442835, MedGen C4014621, MONDO:0014392, OMIM 615905.

Allele frequency attached by ClinVar (database versions not stated): gnomAD exomes below 0.00001.
gnomAD v4.1: 4 of 1,613,978 alleles (0.00025%); highest among the groups gnomAD compares: East Asian, 0.0022%; no homozygotes.

Submissions (2):

Ambry Genetics
Classification: Uncertain significance for Inborn genetic diseases. Last evaluated: 2025-01-04. Review status: criteria provided, single submitter. Criteria: Ambry Variant Classification Scheme 2023. Collection method: clinical testing. Allele origin: germline.

Labcorp Genetics (formerly Invitae), Labcorp
Classification: Uncertain significance for Developmental and epileptic encephalopathy, 25. Last evaluated: 2022-02-05. Review status: criteria provided, single submitter. Criteria: Invitae Variant Classification Sherloc (09022015). Collection method: clinical testing. Allele origin: germline.
Comment: This variant is present in population databases (no rsID available, gnomAD 0.003%). This sequence change replaces valine, which is neutral and non-polar, with methionine, which is neutral and non-polar, at codon 411 of the SLC13A5 protein (p.Val411Met). This variant has not been reported in the literature in individuals affected with SLC13A5-related conditions. In summary, the available evidence is currently insufficient to determine the role of this variant in disease. Therefore, it has been classified as a Variant of Uncertain Significance. Algorithms developed to predict the effect of missense changes on protein structure and function are either unavailable or do not agree on the potential impact of this missense change (SIFT: "Deleterious"; PolyPhen-2: "Probably Damaging"; Align-GVGD: "Class C0").